The following is an entry in ClinVar:

ClinVar aggregate classification (germline): Likely benign. Review status: criteria provided, multiple submitters, no conflicts (2 of 4 stars). 2 submissions from 2 submitters: Likely benign (2). Last evaluated 2026-09-24.

Conditions:
ABCA2-related disorder. Also called: ABCA2-related condition.

Allele frequency attached by ClinVar (database versions not stated): 1000 Genomes Project 0.00020; 1000 Genomes Project 30x 0.00031; TOPMed 0.00050; ESP Exome Variant Server 0.00058; gnomAD 0.00061 and 0.00064; gnomAD exomes 0.00072 and 0.00085; ExAC 0.00158.
gnomAD v4.1: 1,299 of 1,578,434 alleles (0.082%); highest among the groups gnomAD compares: South Asian, 0.19%; 3 homozygotes.

Submissions (2):

PreventionGenetics, part of Exact Sciences
Classification: Likely benign for ABCA2-related condition. Last evaluated: 2026-09-24. Review status: criteria provided, single submitter. Criteria: ACMG Guidelines, 2015. Collection method: clinical testing. Allele origin: germline.
Comment: This variant is classified as likely benign based on ACMG/AMP sequence variant interpretation guidelines (Richards et al. 2015 PMID: 25741868, with internal and published modifications).

Labcorp Genetics (formerly Invitae), Labcorp
Classification: Likely benign. Last evaluated: 2017-09-29. Review status: criteria provided, single submitter. Criteria: Invitae Variant Classification Sherloc (09022015). Collection method: clinical testing. Allele origin: germline.

NM_001606.5(ABCA2):c.725C>T (p.Pro242Leu)

Gene: ABCA2 (ATP binding cassette subfamily A member 2; minus strand). Cytogenetic location: 9q34.3.
Variant type: single nucleotide variant.
Coding change: c.725C>T on transcript NM_001606.5 (MANE Select); coding-DNA position 725, C replaced by T.
Protein change: p.Pro242Leu; replaces proline 242 with leucine.
Molecular consequence: missense variant.
Genome position (GRCh38, 1-based): chr9:137,021,564, G>A on the plus strand (C>T on the coding strand, the complement: ABCA2 is on the minus strand). VCF-style: chr9-137021564-G-A. GRCh37 (hg19) VCF-style: chr9-139916016-G-A.
Other names: c.815C>T, p.Pro272Leu (NM_212533.3); short protein forms P242L, P272L.
Identifiers: ClinVar variation 713812 (VCV000713812.4), dbSNP rs199537832, ClinGen allele CA5355682.
Genomic context (GRCh38, chr9:137,021,564, plus strand): 5'-TGCAGGGCTCCCTTCTGACTCTCAGGCACAGTGAGGATCCGGCCCAGCTCCCCCGAGCCC[G>A]GCGTGCAGGTGAGCTGCTCCAGGAGGGCAGGAGCCAGCAGCAGCTCCTGGGATGGGCACA-3'
Protein context (NP_001597.2, residues 232-252): PALLEQLTCT[Pro242Leu]GSGELGRILT